The following is an entry in ClinVar:

ClinVar aggregate classification (germline): Uncertain significance (1 of 4 stars; one submission).

Conditions:
Left ventricular noncompaction 8 (LVNC8). Identifiers: Orphanet 154, Orphanet 54260, MedGen C3809288, MONDO:0014152, OMIM 615373.

gnomAD v4.1: 6 of 1,612,004 alleles (0.00037%); highest among the groups gnomAD compares: Non-Finnish European, 0.00051%; no homozygotes.

Submission:

Labcorp Genetics (formerly Invitae), Labcorp
Classification: Uncertain significance for Left ventricular noncompaction 8. Last evaluated: 2024-05-01. Review status: criteria provided, single submitter. Criteria: Invitae Variant Classification Sherloc (09022015). Collection method: clinical testing. Allele origin: germline.
Comment: This sequence change replaces alanine, which is neutral and non-polar, with serine, which is neutral and polar, at codon 746 of the PRDM16 protein (p.Ala746Ser). The frequency data for this variant in the population databases is considered unreliable, as metrics indicate poor data quality at this position in the gnomAD database. This variant has not been reported in the literature in individuals affected with PRDM16-related conditions. ClinVar contains an entry for this variant (Variation ID: 1987923). An algorithm developed to predict the effect of missense changes on protein structure and function (PolyPhen-2) suggests that this variant is likely to be tolerated. In summary, the available evidence is currently insufficient to determine the role of this variant in disease. Therefore, it has been classified as a Variant of Uncertain Significance.

NM_022114.4(PRDM16):c.2236G>T (p.Ala746Ser)

Gene: PRDM16 (PR/SET domain 16; plus strand). Cytogenetic location: 1p36.32.
Variant type: single nucleotide variant.
Coding change: c.2236G>T on transcript NM_022114.4 (MANE Select); coding-DNA position 2236, G replaced by T.
Protein change: p.Ala746Ser; replaces alanine 746 with serine.
Molecular consequence: missense variant.
Genome position (GRCh38, 1-based): chr1:3,412,433, G>T. VCF-style: chr1-3412433-G-T. GRCh37 (hg19) VCF-style: chr1-3328997-G-T.
Other names: c.2236G>T, p.Ala746Ser (NM_199454.3); short protein forms A746S.
Identifiers: ClinVar variation 1987923 (VCV001987923.4), dbSNP rs375259092, ClinGen allele CA544422.